The following is an entry in ClinVar:

NM_014780.5(CUL7):c.2837_2840dup (p.Arg948fs)

Gene: CUL7 (cullin 7; minus strand). Cytogenetic location: 6p21.1.
Variant type: Duplication.
Coding change: c.2837_2840dup on transcript NM_014780.5 (MANE Select); coding-DNA positions 2837 to 2840, 4 bases duplicated (AGAT; older notation c.2837_2840dupAGAT).
Protein change: p.Arg948fs; shifts the reading frame from arginine 948.
Molecular consequence: frameshift variant.
Genome position (GRCh38, 1-based): chr6:43,045,609-43,045,612, ATCT duplicated on the plus strand (AGAT on the coding strand, the reverse complement: CUL7 is on the minus strand). VCF-style (leftmost placement, unchanged base first): chr6-43045608-G-GATCT. GRCh37 (hg19) VCF-style: chr6-43013346-G-GATCT.
Other names: c.2933_2936dup, p.Arg980fs (NM_001168370.2, NM_001374872.1); c.2837_2840dup, p.Arg948fs (NM_001374873.1, NM_001374874.1); c.2837_2840dupAGAT (NM_014780.5); short protein forms R948fs, R980fs.
Identifiers: ClinVar variation 3769231 (VCV003769231.2).

ClinVar aggregate classification (germline): Pathogenic (1 of 4 stars; one submission).

Conditions:
3-M syndrome. Also called: 3M SYNDROME; Three M syndrome; 3-MSBN; Three-M slender-boned nanism. Identifiers: Orphanet 2616, MedGen C1848862, MONDO:0007477.

Submission:

Women's Health and Genetics/Laboratory Corporation of America, LabCorp
Classification: Pathogenic for 3-M syndrome. Last evaluated: 2025-01-07. Review status: criteria provided, single submitter. Criteria: LabCorp Variant Classification Summary - May 2015. Collection method: clinical testing. Allele origin: germline.
Comment: Variant summary: CUL7 c.2837_2840dupAGAT (p.Arg948AspfsX12) results in a premature termination codon, predicted to cause a truncation of the encoded protein or absence of the protein due to nonsense mediated decay, which are commonly known mechanisms for disease. The variant allele was found at a frequency of 4e-06 in 251462 control chromosomes. c.2837_2840dupAGAT has been reported in the literature in individuals affected with Three M Syndrome (example: Dauber_2013). These data indicate that the variant is likely to be associated with disease. The following publication has been ascertained in the context of this evaluation (PMID: 22974575). No submitters have cited clinical-significance assessments for this variant to ClinVar. Based on the evidence outlined above, the variant was classified as pathogenic.

Literature cited by the submitters: PubMed 22974575.